The following is an entry in ClinVar:

NM_201596.3(CACNB2):c.392ATG[3] (p.Asp132dup)

Gene: CACNB2 (calcium voltage-gated channel auxiliary subunit beta 2; plus strand). Cytogenetic location: 10p12.31.
Variant type: Microsatellite.
Coding change: c.392ATG[3] on transcript NM_201596.3 (MANE Select); three copies in a row of the 3-base unit ATG starting at c.392; the reference has two copies in a row; one copy, 3 bases duplicated.
Protein change: p.Asp132dup; duplicates aspartic acid 132.
Molecular consequence: inframe insertion.
Genome position (GRCh38, 1-based): chr10:18,498,416-18,498,418, ATG duplicated; duplicating any 3 consecutive bases within chr10:18,498,412-18,498,418 gives the same sequence; the position shown is the placement nearest the transcript's 3' end. VCF-style (leftmost placement, unchanged base first): chr10-18498411-A-AGAT. GRCh37 (hg19) VCF-style: chr10-18787340-A-AGAT.
Other names: c.392ATG[3], p.Asp132dup (NM_201593.3, NM_201597.3); c.227ATG[3], p.Asp77dup (NM_000724.4, NM_001330060.2); c.308ATG[3], p.Asp104dup (NM_001167945.2, NM_201571.4, NM_201572.4); c.248ATG[3], p.Asp84dup (NM_201570.3); c.230ATG[3], p.Asp78dup (NM_201590.3).
Identifiers: ClinVar variation 1474979 (VCV001474979.8), dbSNP rs2049969382, ClinGen allele CA1894150546.
Genomic context (GRCh38, chr10:18,498,411, plus strand): 5'-TTAGACAAAGCCCGTTGCATTTGCGGTTCGGACAAATGTCAGCTACAGTGCGGCCCATGA[A>AGAT]GATGATGTTCCAGTGCCTGGCATGGCCATCTCATTCGAAGCAAAAGATTTTCTGCATGTT-3'

ClinVar aggregate classification (germline): Uncertain significance (1 of 4 stars; one submission).

Conditions:
Brugada syndrome 4 (BRGDA4). Identifiers: Orphanet 130, MedGen C2678477, MONDO:0012743, OMIM 611876.

Submission:

Labcorp Genetics (formerly Invitae), Labcorp
Classification: Uncertain significance for Brugada syndrome 4. Last evaluated: 2024-10-05. Review status: criteria provided, single submitter. Criteria: Invitae Variant Classification Sherloc (09022015). Collection method: clinical testing. Allele origin: germline.
Comment: This variant, c.233_235dup, results in the insertion of 1 amino acid(s) of the CACNB2 protein (p.Asp78dup), but otherwise preserves the integrity of the reading frame. This variant is not present in population databases (gnomAD no frequency). This variant has not been reported in the literature in individuals affected with CACNB2-related conditions. Experimental studies and prediction algorithms are not available or were not evaluated, and the functional significance of this variant is currently unknown. In summary, the available evidence is currently insufficient to determine the role of this variant in disease. Therefore, it has been classified as a Variant of Uncertain Significance.